The following is an entry in ClinVar:

ClinVar aggregate classification (germline): Uncertain significance (1 of 4 stars; one submission).

Submission:

Ambry Genetics
Classification: Uncertain significance. Last evaluated: 2025-08-04. Review status: criteria provided, single submitter. Criteria: Ambry Variant Classification Scheme 2023. Collection method: clinical testing. Allele origin: germline.
Comment: The p.D545G variant (also known as c.1634A>G), located in coding exon 1 of the TET2 gene, results from an A to G substitution at nucleotide position 1634. The aspartic acid at codon 545 is replaced by glycine, an amino acid with similar properties. This amino acid position is conserved. In addition, this alteration is predicted to be tolerated by in silico analysis. Based on the available evidence, the clinical significance of this variant remains unclear.

NM_001127208.3(TET2):c.1634A>G (p.Asp545Gly)

Genes: TET2 (tet methylcytosine dioxygenase 2; plus strand), TET2-AS1 (TET2 antisense RNA 1; minus strand). Cytogenetic location: 4q24.
Variant type: single nucleotide variant.
Coding change: c.1634A>G on transcript NM_001127208.3 (MANE Select); coding-DNA position 1634, A replaced by G.
Protein change: p.Asp545Gly; replaces aspartic acid 545 with glycine.
Molecular consequence: missense variant.
Genome position (GRCh38, 1-based): chr4:105,235,576, A>G. VCF-style: chr4-105235576-A-G. GRCh37 (hg19) VCF-style: chr4-106156733-A-G.
Other names: c.1634A>G, p.Asp545Gly (NM_017628.4); short protein forms D545G.
Identifiers: ClinVar variation 4183006 (VCV004183006.1).
Genomic context (GRCh38, chr4:105,235,576, plus strand): 5'-TACAGGACAACTGCCAGCAGTTGATGAGAAACAAAGAGCAAGAGATTCTGAAGGGTCGAG[A>G]CAAGGAGCAAACACGAGATCTTGTGCCCCCAACACAGCACTATCTGAAACCAGGATGGAT-3'
Protein context (NP_001120680.1, residues 535-555): NKEQEILKGR[Asp545Gly]KEQTRDLVPP